The following is an entry in ClinVar:

NM_004171.4(SLC1A2):c.217G>C (p.Asp73His)

Gene: SLC1A2 (solute carrier family 1 member 2; minus strand). Cytogenetic location: 11p13.
Variant type: single nucleotide variant.
Coding change: c.217G>C on transcript NM_004171.4 (MANE Select); coding-DNA position 217, G replaced by C.
Protein change: p.Asp73His; replaces aspartic acid 73 with histidine.
Molecular consequence: missense variant.
Genome position (GRCh38, 1-based): chr11:35,315,116, C>G on the plus strand (G>C on the coding strand, the complement: SLC1A2 is on the minus strand). VCF-style: chr11-35315116-C-G. GRCh37 (hg19) VCF-style: chr11-35336663-C-G.
Other names: c.190G>C, p.Asp64His (NM_001195728.3, NM_001252652.2); short protein forms D64H, D73H.
Identifiers: ClinVar variation 1804272 (VCV001804272.3), dbSNP rs538543393, ClinGen allele CA220524311.

ClinVar aggregate classification (germline): Uncertain significance. Review status: criteria provided, multiple submitters, no conflicts (2 of 4 stars). 2 submissions from 2 submitters: Uncertain significance (2). Last evaluated 2025-01-11.

Allele frequency attached by ClinVar (database versions not stated): gnomAD 0.00001; 1000 Genomes Project 0.00020; 1000 Genomes Project 30x 0.00016.
gnomAD v4.1: 1 of 1,612,958 alleles (0.000062%); highest among the groups gnomAD compares: South Asian, 0.0011%; no homozygotes.

Submissions (2):

Dasa
Classification: Uncertain significance. Last evaluated: 2025-01-11. Review status: criteria provided, single submitter. Criteria: DASA Assertion Criteria. Collection method: clinical testing. Allele origin: germline.
Comment: NM_004171.4(SLC1A2):c.217G>C (p.Asp73His) is a missense variant that results in the substitution of aspartic acid with histidine. This variant is rare in population databases. The currently available literature and clinical evidence are not sufficient to establish a definitive association between this variant and the reported condition. Therefore, this variant is classified as a variant of uncertain significance.

GeneDx
Classification: Uncertain significance. Last evaluated: 2022-06-13. Review status: criteria provided, single submitter. Criteria: GeneDx Variant Classification Process June 2021. Collection method: clinical testing. Allele origin: germline. Affected: yes.
Comment: Not observed at significant frequency in large population cohorts (gnomAD); In silico analysis supports that this missense variant does not alter protein structure/function; Has not been previously published as pathogenic or benign to our knowledge